The following is an entry in ClinVar:

ClinVar aggregate classification (germline): Uncertain significance. Review status: criteria provided, multiple submitters, no conflicts (2 of 4 stars). 3 submissions from 3 submitters: Uncertain significance (3). Last evaluated 2025-10-30.

Conditions:
Complex neurodevelopmental disorder. Identifiers: Orphanet 528084, MedGen C5568766, MONDO:0100038.

Allele frequency attached by ClinVar (database versions not stated): gnomAD exomes 0.00005 and 0.00006; ESP Exome Variant Server 0.00008; ExAC 0.00003; gnomAD 0.00009 and 0.00008; TOPMed 0.00016.
gnomAD v4.1: 82 of 1,614,000 alleles (0.0051%); highest among the groups gnomAD compares: Admixed American, 0.035%; no homozygotes.

Submissions (3):

Dasa
Classification: Uncertain significance for Complex neurodevelopmental disorder. Last evaluated: 2025-10-30. Review status: criteria provided, single submitter. Criteria: DASA Assertion Criteria. Collection method: clinical testing. Allele origin: germline.
Comment: NM_021008.4(DEAF1):c.804+6G>A is a splice-region variant. This variant is rare in population databases. Computational prediction algorithms are consistent with a benign effect. The currently available literature and clinical evidence are not sufficient to establish a definitive association between this variant and the reported condition. Therefore, this variant is classified as a variant of uncertain significance.

Labcorp Genetics (formerly Invitae), Labcorp
Classification: Uncertain significance. Last evaluated: 2025-10-24. Review status: criteria provided, single submitter. Criteria: Invitae Variant Classification Sherloc (09022015). Collection method: clinical testing. Allele origin: germline.
Comment: This sequence change falls in intron 5 of the DEAF1 gene. It does not directly change the encoded amino acid sequence of the DEAF1 protein. It affects a nucleotide within the consensus splice site. This variant is present in population databases (rs368008151, gnomAD 0.02%). This variant has not been reported in the literature in individuals affected with DEAF1-related conditions. ClinVar contains an entry for this variant (Variation ID: 593893). Variants that disrupt the consensus splice site are a relatively common cause of aberrant splicing (PMID: 17576681, 9536098). Algorithms developed to predict the effect of sequence changes on RNA splicing suggest that this variant is not likely to affect RNA splicing. In summary, the available evidence is currently insufficient to determine the role of this variant in disease. Therefore, it has been classified as a Variant of Uncertain Significance.

Eurofins Ntd Llc (ga)
Classification: Uncertain significance. Last evaluated: 2017-08-29. Review status: criteria provided, single submitter. Criteria: EGL Classification Definitions 2015. Collection method: clinical testing. Allele origin: germline. Observed: 1 variant allele, 1 heterozygote.

Literature cited by the submitters: PubMed 17576681 (cited by Labcorp Genetics (formerly Invitae), Labcorp); PubMed 9536098 (cited by Labcorp Genetics (formerly Invitae), Labcorp).

NM_021008.4(DEAF1):c.804+6G>A

Gene: DEAF1 (DEAF1 transcription factor; minus strand). Cytogenetic location: 11p15.5.
Variant type: single nucleotide variant.
Coding change: c.804+6G>A on transcript NM_021008.4 (MANE Select); 6 bases into the intron after coding-DNA position 804, G replaced by A.
Molecular consequence: intron variant.
Genome position (GRCh38, 1-based): chr11:686,852, C>T on the plus strand (G>A on the coding strand, the complement: DEAF1 is on the minus strand). VCF-style: chr11-686852-C-T. GRCh37 (hg19) VCF-style: chr11-686852-C-T.
Other names: c.78+6G>A (NM_001367390.1, NM_001440885.1, NM_001440887.1 and 1 more transcripts); c.664+1059G>A (NM_001293634.2); c.804+6G>A (NM_001440884.1, NM_001440883.1).
Identifiers: ClinVar variation 593893 (VCV000593893.12), dbSNP rs368008151, ClinGen allele CA5786432.